The following is an entry in ClinVar:

NM_007254.4(PNKP):c.472G>A (p.Ala158Thr)

Gene: PNKP (polynucleotide kinase 3'-phosphatase; minus strand). Cytogenetic location: 19q13.33.
Variant type: single nucleotide variant.
Coding change: c.472G>A on transcript NM_007254.4 (MANE Select); coding-DNA position 472, G replaced by A.
Protein change: p.Ala158Thr; replaces alanine 158 with threonine.
Molecular consequence: missense variant.
Genome position (GRCh38, 1-based): chr19:49,865,153, C>T on the plus strand (G>A on the coding strand, the complement: PNKP is on the minus strand). VCF-style: chr19-49865153-C-T. GRCh37 (hg19) VCF-style: chr19-50368410-C-T.
Other names: short protein forms A158T.
Identifiers: ClinVar variation 1329527 (VCV001329527.2), dbSNP rs767190474, ClinGen allele CA9586944.

ClinVar aggregate classification (germline): Uncertain significance (1 of 4 stars; one submission).

Allele frequency attached by ClinVar (database versions not stated): ExAC 0.00001.

Submission:

GeneDx
Classification: Uncertain significance. Last evaluated: 2021-06-24. Review status: criteria provided, single submitter. Criteria: GeneDx Variant Classification Process June 2021. Collection method: clinical testing. Allele origin: germline. Affected: yes.
Comment: Not observed at significant frequency in large population cohorts (Lek et al., 2016); In silico analysis supports that this missense variant does not alter protein structure/function; Has not been previously published as pathogenic or benign to our knowledge; This variant is associated with the following publications: (PMID: 27535533)